The following is an entry in ClinVar:

NM_001330260.2(SCN8A):c.4398C>G (p.Asn1466Lys)

Gene: SCN8A (sodium voltage-gated channel alpha subunit 8; plus strand). Cytogenetic location: 12q13.13.
Variant type: single nucleotide variant.
Coding change: c.4398C>G on transcript NM_001330260.2 (MANE Select); coding-DNA position 4398, C replaced by G.
Protein change: p.Asn1466Lys; replaces asparagine 1466 with lysine.
Molecular consequence: missense variant.
Genome position (GRCh38, 1-based): chr12:51,789,397, C>G. VCF-style: chr12-51789397-C-G. GRCh37 (hg19) VCF-style: chr12-52183181-C-G.
Other names: c.4275C>G, p.Asn1425Lys (NM_001177984.3, NM_001369788.1); c.4398C>G, p.Asn1466Lys (NM_014191.4); short protein forms N1425K, N1466K.
Identifiers: ClinVar variation 2907429 (VCV002907429.3), dbSNP rs587777722, ClinGen allele CA384908571.

ClinVar aggregate classification (germline): Pathogenic (1 of 4 stars; one submission).

Conditions:
Early-infantile DEE. Also called: Early infantile epileptic encephalopathy; Ohtahara syndrome; Early infantile epileptic encephalopathy with suppression bursts. Identifiers: Orphanet 1934, MedGen C0393706, MONDO:0800491.

Submission:

Labcorp Genetics (formerly Invitae), Labcorp
Classification: Pathogenic for Early-infantile DEE. Last evaluated: 2023-09-12. Review status: criteria provided, single submitter. Criteria: Invitae Variant Classification Sherloc (09022015). Collection method: clinical testing. Allele origin: germline.
Comment: This missense change has been observed in individual(s) with infantile epileptic encephalopathy (PMID: 31054490). In at least one individual the variant was observed to be de novo. For these reasons, this variant has been classified as Pathogenic. This variant disrupts the p.Asn1466 amino acid residue in SCN8A. Other variant(s) that disrupt this residue have been determined to be pathogenic (Invitae). This suggests that this residue is clinically significant, and that variants that disrupt this residue are likely to be disease-causing. Advanced modeling of protein sequence and biophysical properties (such as structural, functional, and spatial information, amino acid conservation, physicochemical variation, residue mobility, and thermodynamic stability) performed at Invitae indicates that this missense variant is expected to disrupt SCN8A protein function. This variant is not present in population databases (gnomAD no frequency). This sequence change replaces asparagine, which is neutral and polar, with lysine, which is basic and polar, at codon 1466 of the SCN8A protein (p.Asn1466Lys).

Literature cited by the submitters: PubMed 31054490.